The following is an entry in ClinVar:

ClinVar aggregate classification (germline): Pathogenic. Review status: criteria provided, multiple submitters, no conflicts (2 of 4 stars). 6 submissions from 6 submitters: Pathogenic (6). Last evaluated 2026-04-22.

Conditions:
DICER1-related tumor predisposition. Also called: DICER1-related pleuropulmonary blastoma cancer predisposition syndrome; DICER1 syndrome. Identifiers: Orphanet 284343, MedGen C3839822, MONDO:0100216.
Hereditary cancer-predisposing syndrome. Also called: Tumor predisposition; Hereditary neoplastic syndrome; Neoplastic Syndromes, Hereditary; Hereditary Cancer Syndrome. Identifiers: Orphanet 140162, MedGen C0027672, MeSH D009386, MONDO:0015356.

Submissions (6):

Myriad Genetics, Inc.
Classification: Pathogenic for DICER1-related tumor predisposition. Last evaluated: 2026-04-22. Review status: criteria provided, single submitter. Criteria: Myriad Autosomal Dominant, Autosomal Recessive and X-Linked Classification Criteria (2023). Collection method: clinical testing. Allele origin: unknown.
Comment: This variant is considered pathogenic. This variant creates a termination codon and is predicted to result in premature protein truncation.

Labcorp Genetics (formerly Invitae), Labcorp
Classification: Pathogenic for DICER1-related tumor predisposition. Last evaluated: 2026-01-02. Review status: criteria provided, single submitter. Criteria: Invitae Variant Classification Sherloc (09022015). Collection method: clinical testing. Allele origin: germline.
Comment: This sequence change creates a premature translational stop signal (p.Arg187*) in the DICER1 gene. It is expected to result in an absent or disrupted protein product. Loss-of-function variants in DICER1 are known to be pathogenic (PMID: 19556464, 21266384). This variant is not present in population databases (gnomAD no frequency). This premature translational stop signal has been observed in individual(s) with pleuropulmonary blastoma (PMID: 24909177, 26925222). ClinVar contains an entry for this variant (Variation ID: 220676). For these reasons, this variant has been classified as Pathogenic.

GeneDx
Classification: Pathogenic. Last evaluated: 2024-06-06. Review status: criteria provided, single submitter. Criteria: GeneDx Variant Classification Process June 2021. Collection method: clinical testing. Allele origin: germline. Affected: yes.
Comment: Nonsense variant predicted to result in protein truncation or nonsense mediated decay in a gene for which loss of function is a known mechanism of disease; Not observed at significant frequency in large population cohorts (gnomAD); This variant is associated with the following publications: (PMID: 33460435, 26925222, 34257391, 24909177)

Ambry Genetics
Classification: Pathogenic for Hereditary cancer-predisposing syndrome. Last evaluated: 2023-01-30. Review status: criteria provided, single submitter. Criteria: Ambry Variant Classification Scheme 2023. Collection method: clinical testing. Allele origin: germline.
Comment: The p.R187* pathogenic mutation (also known as c.559C>T), located in coding exon 4 of the DICER1 gene, results from a C to T substitution at nucleotide position 559. This changes the amino acid from an arginine to a stop codon within coding exon 4. This alteration has been identified in a child with a diagnosis of pleuropulmonary blastoma (Brenneman M et al. F1000Res, 2015 Jul;4:214). This variant is considered to be rare based on population cohorts in the Genome Aggregation Database (gnomAD). In addition to the clinical data presented in the literature, this alteration is expected to result in loss of function by premature protein truncation or nonsense-mediated mRNA decay. As such, this alteration is interpreted as a disease-causing mutation.

Foulkes Cancer Genetics LDI, Lady Davis Institute for Medical Research
Classification: Pathogenic for Pleuropulmonary blastoma. Last evaluated: 2019-07-01. Review status: criteria provided, single submitter. Criteria: ACMG Guidelines, 2015. Collection method: curation. Allele origin: germline. Affected: yes. Observed: 2 variant alleles.
Comment: ACMG criteria met: PVS1, PM2, PP4

International Pleuropulmonary Blastoma Registry, Children's Hospitals and Clinics of Minnesota
Classification: Pathogenic for Pleuropulmonary blastoma. Last evaluated: 2014-11-10. Review status: criteria provided, single submitter. Criteria: Hill et al. (Science. 2009). Collection method: clinical testing. Allele origin: germline. Affected: yes. Study: PPB-DICER1 Genetic study.

Literature cited by the submitters: PubMed 19556464 (cited by Labcorp Genetics (formerly Invitae), Labcorp); PubMed 21266384 (cited by Labcorp Genetics (formerly Invitae), Labcorp); PubMed 24909177 (cited by Labcorp Genetics (formerly Invitae), Labcorp and Foulkes Cancer Genetics LDI, Lady Davis Institute for Medical Research); PubMed 26925222 (cited by 4 submitters).

NM_177438.3(DICER1):c.559C>T (p.Arg187Ter)

Gene: DICER1 (dicer 1, ribonuclease III; minus strand). Cytogenetic location: 14q32.13.
Variant type: single nucleotide variant.
Coding change: c.559C>T on transcript NM_177438.3 (MANE Select); coding-DNA position 559, C replaced by T.
Protein change: p.Arg187Ter; replaces arginine 187 with a stop codon.
Molecular consequence: nonsense.
Genome position (GRCh38, 1-based): chr14:95,130,072, G>A on the plus strand (C>T on the coding strand, the complement: DICER1 is on the minus strand). VCF-style: chr14-95130072-G-A. GRCh37 (hg19) VCF-style: chr14-95596409-G-A.
Other names: NP_803187.1:p.R187*; c.559C>T, p.Arg187Ter (NM_001195573.1, NM_001271282.3, NM_001291628.2 and 1 more transcripts); short protein forms R187*.
Identifiers: ClinVar variation 220676 (VCV000220676.13), dbSNP rs763801533, ClinGen allele CA350609.